The following is an entry in ClinVar:

NM_000377.3(WAS):c.841C>A (p.Leu281Ile)

Gene: WAS (WASP actin nucleation promoting factor; plus strand). Cytogenetic location: Xp11.23.
Variant type: single nucleotide variant.
Coding change: c.841C>A on transcript NM_000377.3 (MANE Select); coding-DNA position 841, C replaced by A.
Protein change: p.Leu281Ile; replaces leucine 281 with isoleucine.
Molecular consequence: missense variant.
Genome position (GRCh38, 1-based): chrX:48,688,363, C>A. VCF-style: chrX-48688363-C-A. GRCh37 (hg19) VCF-style: chrX-48546752-C-A.
Other names: short protein forms L281I.
Identifiers: ClinVar variation 1487726 (VCV001487726.6), dbSNP rs2147265956, ClinGen allele CA412872285.

ClinVar aggregate classification (germline): Uncertain significance (1 of 4 stars; one submission).

Conditions:
Thrombocytopenia 1. Also called: X-Linked Thrombocytopenia (XLT); THROMBOCYTOPENIA, X-LINKED, 1; X-linked thrombocytopenia with normal platelets. Identifiers: Orphanet 268322, Orphanet 852, MedGen C1839163, MONDO:0010743, OMIM 313900.
X-linked severe congenital neutropenia (SCNX). Identifiers: Orphanet 86788, MedGen C1845987, MONDO:0010294, OMIM 300299.
Wiskott-Aldrich syndrome (WAS). Also called: WISKOTT-ALDRICH SYNDROME 1; Wiskott-aldrich syndrome, somatic; ALDRICH SYNDROME; IMMUNODEFICIENCY 2. Identifiers: Orphanet 906, MedGen C0043194, MONDO:0010518, OMIM 301000.

Submission:

Labcorp Genetics (formerly Invitae), Labcorp
Classification: Uncertain significance for Wiskott-Aldrich syndrome; X-linked severe congenital neutropenia; Thrombocytopenia 1. Last evaluated: 2023-11-27. Review status: criteria provided, single submitter. Criteria: Invitae Variant Classification Sherloc (09022015). Collection method: clinical testing. Allele origin: germline.
Comment: This sequence change replaces leucine, which is neutral and non-polar, with isoleucine, which is neutral and non-polar, at codon 281 of the WAS protein (p.Leu281Ile). This variant is not present in population databases (gnomAD no frequency). This variant has not been reported in the literature in individuals affected with WAS-related conditions. ClinVar contains an entry for this variant (Variation ID: 1487726). Advanced modeling of protein sequence and biophysical properties (such as structural, functional, and spatial information, amino acid conservation, physicochemical variation, residue mobility, and thermodynamic stability) performed at Invitae indicates that this missense variant is expected to disrupt WAS protein function with a positive predictive value of 80%. In summary, the available evidence is currently insufficient to determine the role of this variant in disease. Therefore, it has been classified as a Variant of Uncertain Significance.